The following is an entry in ClinVar:

ClinVar aggregate classification (germline): Likely pathogenic (1 of 4 stars; one submission).

Conditions:
Pyruvate dehydrogenase E3-binding protein deficiency (PDHXD). Also called: LACTIC ACIDEMIA DUE TO DEFECT IN LIPOYL-CONTAINING COMPONENT X OF THE PYRUVATE DEHYDROGENASE COMPLEX; E3-Binding Protein (Component X) Deficiency; Lacticacidemia due to PDX1 deficiency; PYRUVATE HYDROGENASE E3-BINDING PROTEIN DEFICIENCY. Identifiers: Orphanet 255182, MedGen C1855553, MONDO:0009503, OMIM 245349.

Submission:

Molecular Genetics Department, Kulakov National Medical Research Center for Obstetrics, Gynecology and Perinatology
Classification: Likely pathogenic for Pyruvate dehydrogenase E3-binding protein deficiency. Review status: criteria provided, single submitter. Criteria: ACMG Guidelines, 2015. Collection method: clinical testing. Allele origin: germline. Affected: yes.
Comment: A previously undescribed nucleotide variant creates a premature translation stop signal p.Arg24Ter in the PDHX gene. Homozygous and compound heterozygous variants are reported in patients with Lacticacidemia due to PDX1 deficiency, 245349. The variant is not present in population database (gnomAD no frequency). In summary, the currently available evidence indicates that the variant is pathogenic, but additional data are needed to prove that conclusively. Therefore, this variant has been classified as likely pathogenic.

NM_003477.3(PDHX):c.70C>T (p.Arg24Ter)

Genes: PDHX (pyruvate dehydrogenase complex component X; plus strand), LOC130005549 (ATAC-STARR-seq lymphoblastoid active region 4608; plus strand). Cytogenetic location: 11p13.
Variant type: single nucleotide variant.
Coding change: c.70C>T on transcript NM_003477.3 (MANE Select); coding-DNA position 70, C replaced by T.
Protein change: p.Arg24Ter; replaces arginine 24 with a stop codon.
Molecular consequence: nonsense. On other transcripts: intron variant (1).
Genome position (GRCh38, 1-based): chr11:34,916,725, C>T. VCF-style: chr11-34916725-C-T. GRCh37 (hg19) VCF-style: chr11-34938272-C-T.
Other names: c.70C>T, p.Arg24Ter (NM_001166158.2); c.-21+239C>T (NM_001135024.2); short protein forms R24*.
Identifiers: ClinVar variation 3062319 (VCV003062319.1), dbSNP rs11539201, ClinGen allele CA380123867.